The following is an entry in ClinVar:

NM_000062.3(SERPING1):c.1198del (p.Arg400fs)

Gene: SERPING1 (serpin family G member 1; plus strand). Cytogenetic location: 11q12.1.
Variant type: Deletion.
Coding change: c.1198del on transcript NM_000062.3 (MANE Select); coding-DNA position 1198, one base deleted (C; older notation c.1198delC).
Protein change: p.Arg400fs; shifts the reading frame from arginine 400.
Molecular consequence: frameshift variant.
Genome position (GRCh38, 1-based): chr11:57,611,885, C deleted; the last of 4 consecutive C bases (chr11:57,611,882-57,611,885); deleting any one gives the same sequence. VCF-style (leftmost placement, unchanged base first): chr11-57611881-AC-A. GRCh37 (hg19) VCF-style: chr11-57379354-AC-A.
Other names: c.1198del, p.Arg400fs (NM_001032295.2); short protein forms R400fs.
Identifiers: ClinVar variation 3652259 (VCV003652259.2).
Genomic context (GRCh38, chr11:57,611,881, plus strand): 5'-TTTCAAGGCCATCATGGAGAAACTGGAGATGTCCAAGTTCCAGCCCACTCTCCTAACACT[AC>A]CCCGCATCAAAGTGACGACCAGCCAGGATATGCTCTCAATCATGGAGAAATTGGGTGAGC-3'

ClinVar aggregate classification (germline): Pathogenic (1 of 4 stars; one submission).

Submission:

Labcorp Genetics (formerly Invitae), Labcorp
Classification: Pathogenic. Last evaluated: 2024-05-06. Review status: criteria provided, single submitter. Criteria: Invitae Variant Classification Sherloc (09022015). Collection method: clinical testing. Allele origin: germline.
Comment: This sequence change creates a premature translational stop signal (p.Arg400Alafs*4) in the SERPING1 gene. While this is not anticipated to result in nonsense mediated decay, it is expected to disrupt the last 101 amino acid(s) of the SERPING1 protein. This variant is not present in population databases (gnomAD no frequency). This variant has not been reported in the literature in individuals affected with SERPING1-related conditions. This variant disrupts a region of the SERPING1 protein in which other variant(s) (p.Arg494*) have been determined to be pathogenic (PMID: 8755917, 30508583, 32065705). This suggests that this is a clinically significant region of the protein, and that variants that disrupt it are likely to be disease-causing. For these reasons, this variant has been classified as Pathogenic.

Literature cited by the submitters: PubMed 8755917; PubMed 30508583; PubMed 32065705.